The following is an entry in ClinVar:

NM_198525.3(KIF7):c.2959G>A (p.Glu987Lys)

Gene: KIF7 (kinesin family member 7; minus strand). Cytogenetic location: 15q26.1.
Variant type: single nucleotide variant.
Coding change: c.2959G>A on transcript NM_198525.3 (MANE Select); coding-DNA position 2959, G replaced by A.
Protein change: p.Glu987Lys; replaces glutamic acid 987 with lysine.
Molecular consequence: missense variant.
Genome position (GRCh38, 1-based): chr15:89,631,647, C>T on the plus strand (G>A on the coding strand, the complement: KIF7 is on the minus strand). VCF-style: chr15-89631647-C-T. GRCh37 (hg19) VCF-style: chr15-90174878-C-T.
Other names: short protein forms E987K.
Identifiers: ClinVar variation 501276 (VCV000501276.20), dbSNP rs146626238, ClinGen allele CA7727872.

ClinVar aggregate classification (germline): Uncertain significance. Review status: criteria provided, multiple submitters, no conflicts (2 of 4 stars). 7 submissions from 7 submitters: Uncertain significance (7). Last evaluated 2025-06-24.

Conditions:
Acrocallosal syndrome (ACLS). Also called: HALLUX DUPLICATION, POSTAXIAL POLYDACTYLY, AND ABSENCE OF CORPUS CALLOSUM; Schinzel syndrome 1; Absence of corpus callosum with unusual facial appearance, mental deficiency, duplication of the halluces and polydactyly. Identifiers: Orphanet 36, MedGen C0796147, MONDO:0008708, OMIM 200990.
Multiple epiphyseal dysplasia, Al-Gazali type. Also called: Macrocephaly with multiple epiphyseal dysplasia and distinctive facies. Identifiers: Orphanet 166024, MedGen C1846722, MONDO:0011778, OMIM 607131.
Hydrolethalus syndrome 2 (HLS2). Identifiers: Orphanet 2189, MedGen C3279899, MONDO:0013585, OMIM 614120.
Inborn genetic diseases. Identifiers: MedGen C0950123, MeSH D030342.

Allele frequency attached by ClinVar (database versions not stated): gnomAD exomes 0.00009 and 0.00012; ExAC 0.00023; 1000 Genomes Project 0.00040; 1000 Genomes Project 30x 0.00047; gnomAD 0.00052 and 0.00057; ESP Exome Variant Server 0.00062; TOPMed 0.00070.

Submissions (7):

GeneDx
Classification: Uncertain significance. Last evaluated: 2025-06-24. Review status: criteria provided, single submitter. Criteria: GeneDx Variant Classification Process June 2021. Collection method: clinical testing. Allele origin: germline. Affected: yes.
Comment: In silico analysis supports that this missense variant has a deleterious effect on protein structure/function; This variant is associated with the following publications: (PMID: 26174511, 25131622, 30476936)

Women's Health and Genetics/Laboratory Corporation of America, LabCorp
Classification: Uncertain significance. Last evaluated: 2025-02-17. Review status: criteria provided, single submitter. Criteria: LabCorp Variant Classification Summary - May 2015. Collection method: clinical testing. Allele origin: germline.
Comment: Variant summary: KIF7 c.2959G>A (p.Glu987Lys) results in a conservative amino acid change in the encoded protein sequence. Three of five in-silico tools predict a damaging effect of the variant on protein function. The variant allele was found at a frequency of 0.00012 in 171914 control chromosomes, predominantly at a frequency of 0.0015 within the African or African-American subpopulation in the gnomAD database. This frequency is not significantly higher than estimated for a pathogenic variant in KIF7 causing Acrocallosal Syndrome/Joubert Syndrome 12, allowing no conclusion about variant significance. c.2959G>A has been reported in the literature as a compound heterozygous genotype following WES in at least one individual with a clinical phenotype that included features of Acrocallosal Syndrome (e.g. Srivastava_2014, Tunovic_2015, Labcorp (formerly Invitae)). These data do not allow any conclusion about variant significance. To our knowledge, no experimental evidence demonstrating an impact on protein function has been reported. The following publications have been ascertained in the context of this evaluation (PMID: 25131622, 26174511). ClinVar contains an entry for this variant (Variation ID: 501276). Based on the evidence outlined above, the variant was classified as uncertain significance.

Fulgent Genetics
Classification: Uncertain significance for Acrocallosal syndrome; Multiple epiphyseal dysplasia, Al-Gazali type; Hydrolethalus syndrome 2. Last evaluated: 2024-06-15. Review status: criteria provided, single submitter. Criteria: ACMG Guidelines, 2015. Collection method: clinical testing. Allele origin: germline.

Labcorp Genetics (formerly Invitae), Labcorp
Classification: Uncertain significance for Acrocallosal syndrome. Last evaluated: 2024-01-24. Review status: criteria provided, single submitter. Criteria: Invitae Variant Classification Sherloc (09022015). Collection method: clinical testing. Allele origin: germline.
Comment: This sequence change replaces glutamic acid, which is acidic and polar, with lysine, which is basic and polar, at codon 987 of the KIF7 protein (p.Glu987Lys). This variant is present in population databases (rs146626238, gnomAD 0.2%). This missense change has been observed in individual(s) with acrocallosal syndrome and/or clinical features of KIF7-related conditions (PMID: 25131622, 26174511; Invitae). It has also been observed to segregate with disease in related individuals. ClinVar contains an entry for this variant (Variation ID: 501276). Advanced modeling of protein sequence and biophysical properties (such as structural, functional, and spatial information, amino acid conservation, physicochemical variation, residue mobility, and thermodynamic stability) performed at Invitae indicates that this missense variant is not expected to disrupt KIF7 protein function with a negative predictive value of 80%. In summary, the available evidence is currently insufficient to determine the role of this variant in disease. Therefore, it has been classified as a Variant of Uncertain Significance.

Ambry Genetics
Classification: Uncertain significance for Inborn genetic diseases. Last evaluated: 2022-08-11. Review status: criteria provided, single submitter. Criteria: Ambry Variant Classification Scheme 2023. Collection method: clinical testing. Allele origin: germline.

Eurofins Ntd Llc (ga)
Classification: Uncertain significance. Last evaluated: 2018-06-28. Review status: criteria provided, single submitter. Criteria: EGL ClinVar v180209 classification definitions. Collection method: clinical testing. Allele origin: germline. Observed: 2 variant alleles, 2 heterozygotes.

Breakthrough Genomics
Classification: Uncertain significance. Review status: criteria provided, single submitter. Criteria: ACMG Guidelines, 2015. Collection method: not provided. Allele origin: germline. Inheritance: Autosomal recessive inheritance. Affected: yes.

Literature cited by the submitters: PubMed 25131622 (cited by 3 submitters); PubMed 26174511 (cited by 3 submitters).